The following is an entry in ClinVar:

NM_000548.5(TSC2):c.3707T>C (p.Met1236Thr)

Gene: TSC2 (TSC complex subunit 2; plus strand). Cytogenetic location: 16p13.3.
Variant type: single nucleotide variant.
Coding change: c.3707T>C on transcript NM_000548.5 (MANE Select); coding-DNA position 3707, T replaced by C.
Protein change: p.Met1236Thr; replaces methionine 1236 with threonine.
Molecular consequence: missense variant.
Genome position (GRCh38, 1-based): chr16:2,081,691, T>C. VCF-style: chr16-2081691-T-C. GRCh37 (hg19) VCF-style: chr16-2131692-T-C.
Other names: c.3575T>C, p.Met1192Thr (NM_001077183.3, NM_001370404.1); c.3707T>C, p.Met1236Thr (NM_001114382.3); c.3467T>C, p.Met1156Thr (NM_001318827.2); c.3431T>C, p.Met1144Thr (NM_001318829.2); c.2975T>C, p.Met992Thr (NM_001318831.2); c.3608T>C, p.Met1203Thr (NM_001318832.2); c.3578T>C, p.Met1193Thr (NM_001363528.2, NM_001370405.1, NM_021055.3); short protein forms M1236T, M1193T, M1144T, M1203T, M992T, M1156T, M1192T.
Identifiers: ClinVar variation 571503 (VCV000571503.15), dbSNP rs1567510644, ClinGen allele CA394292645.
Genomic context (GRCh38, chr16:2,081,691, plus strand): 5'-TCAGCCCTTTCTCCTCGGACATCAACAACATGCCCCTGCAGGAGCTGTCTAACGCCCTCA[T>C]GGCGGCTGAGCGCTTCAAGGAGCACCGGGACACAGCCCTGTACAAGTCACTGTCGGTGCC-3'
Protein context (NP_000539.2, residues 1226-1246): MPLQELSNAL[Met1236Thr]AAERFKEHRD

ClinVar aggregate classification (germline): Uncertain significance. Review status: criteria provided, multiple submitters, no conflicts (2 of 4 stars). 3 submissions from 3 submitters: Uncertain significance (3). Last evaluated 2025-07-15.

Conditions:
Tuberous sclerosis syndrome (TSC). Also called: Tuberous sclerosis; Tuberous Sclerosis Complex. Identifiers: Orphanet 805, MedGen C0041341, MONDO:0001734.
Hereditary cancer-predisposing syndrome. Also called: Hereditary neoplastic syndrome; Neoplastic Syndromes, Hereditary; Hereditary Cancer Syndrome; Tumor predisposition. Identifiers: Orphanet 140162, MedGen C0027672, MeSH D009386, MONDO:0015356.
Tuberous sclerosis 2 (TSC2). Identifiers: Orphanet 805, MedGen C1860707, MONDO:0013199, OMIM 613254.

Allele frequency attached by ClinVar (database versions not stated): gnomAD exomes below 0.00001.

Submissions (3):

Ambry Genetics
Classification: Uncertain significance for Hereditary cancer-predisposing syndrome. Last evaluated: 2025-07-15. Review status: criteria provided, single submitter. Criteria: Ambry Variant Classification Scheme 2023. Collection method: clinical testing. Allele origin: germline.
Comment: The p.M1236T variant (also known as c.3707T>C), located in coding exon 30 of the TSC2 gene, results from a T to C substitution at nucleotide position 3707. The methionine at codon 1236 is replaced by threonine, an amino acid with similar properties. This alteration was observed in an individual with a clinical diagnosis of tuberous sclerosis complex (Luo C et al. Front Med (Lausanne), 2021 Nov;8:744050). This amino acid position is highly conserved in available vertebrate species. In addition, this alteration is predicted to be deleterious by in silico analysis. Since supporting evidence is limited at this time, the clinical significance of this alteration remains unclear.

Labcorp Genetics (formerly Invitae), Labcorp
Classification: Uncertain significance for Tuberous sclerosis 2. Last evaluated: 2025-03-12. Review status: criteria provided, single submitter. Criteria: Invitae Variant Classification Sherloc (09022015). Collection method: clinical testing. Allele origin: germline.
Comment: This sequence change replaces methionine, which is neutral and non-polar, with threonine, which is neutral and polar, at codon 1236 of the TSC2 protein (p.Met1236Thr). This variant is not present in population databases (gnomAD no frequency). This variant has not been reported in the literature in individuals affected with TSC2-related conditions. ClinVar contains an entry for this variant (Variation ID: 571503). Invitae Evidence Modeling of protein sequence and biophysical properties (such as structural, functional, and spatial information, amino acid conservation, physicochemical variation, residue mobility, and thermodynamic stability) indicates that this missense variant is not expected to disrupt TSC2 protein function with a negative predictive value of 95%. In summary, the available evidence is currently insufficient to determine the role of this variant in disease. Therefore, it has been classified as a Variant of Uncertain Significance.

All of Us Research Program, National Institutes of Health
Classification: Uncertain significance for Tuberous sclerosis syndrome. Last evaluated: 2024-09-27. Review status: criteria provided, single submitter. Criteria: ACMG Guidelines, 2015. Collection method: clinical testing. Allele origin: germline. Inheritance: Autosomal dominant inheritance. Observed: 3 variant alleles, 3 heterozygotes.
Comment: This missense variant replaces methionine with threonine at codon 1236 of the TSC2 protein. Computational prediction suggests that this variant may have deleterious impact on protein structure and function (internally defined REVEL score threshold >= 0.7, PMID: 27666373). To our knowledge, functional studies have not been reported for this variant. This variant has not been reported in individuals affected with TSC2-related disorders in the literature. This variant has not been identified in the general population by the Genome Aggregation Database (gnomAD). The available evidence is insufficient to determine the role of this variant in disease conclusively. Therefore, this variant is classified as a Variant of Uncertain Significance.

This study involves interpretation of variants in research participants for the purpose of population health screening. Participant phenotype was not available at the time of variant classification. Additional details can be found in publication PMID: 35346344, PMCID: PMC8962531

Literature cited by the submitters: PubMed 34901059 (cited by Ambry Genetics).